The following is an entry in ClinVar:

ClinVar aggregate classification (germline): Uncertain significance (1 of 4 stars; one submission).

Conditions:
Cardiovascular phenotype. Identifiers: MedGen CN230736.

Submission:

Ambry Genetics
Classification: Uncertain significance for Cardiovascular phenotype. Last evaluated: 2020-03-11. Review status: criteria provided, single submitter. Criteria: Ambry Variant Classification Scheme 2023. Collection method: clinical testing. Allele origin: germline.
Comment: The p.D1084A variant (also known as c.3251A>C), located in coding exon 24 of the MYH7 gene, results from an A to C substitution at nucleotide position 3251. The aspartic acid at codon 1084 is replaced by alanine, an amino acid with dissimilar properties. This amino acid position is highly conserved in available vertebrate species. In addition, this alteration is predicted to be deleterious by in silico analysis. Since supporting evidence is limited at this time, the clinical significance of this alteration remains unclear.

NM_000257.4(MYH7):c.3251A>C (p.Asp1084Ala)

Gene: MYH7 (myosin heavy chain 7; minus strand). Cytogenetic location: 14q11.2.
Variant type: single nucleotide variant.
Coding change: c.3251A>C on transcript NM_000257.4 (MANE Select); coding-DNA position 3251, A replaced by C.
Protein change: p.Asp1084Ala; replaces aspartic acid 1084 with alanine.
Molecular consequence: missense variant.
Genome position (GRCh38, 1-based): chr14:23,421,043, T>G on the plus strand (A>C on the coding strand, the complement: MYH7 is on the minus strand). VCF-style: chr14-23421043-T-G. GRCh37 (hg19) VCF-style: chr14-23890252-T-G.
Other names: c.3251A>C, p.Asp1084Ala (NM_001407004.1); short protein forms D1084A.
Identifiers: ClinVar variation 1729422 (VCV001729422.2), dbSNP rs1892454098, ClinGen allele CA389044576.